The following is an entry in ClinVar:

NM_000260.4(MYO7A):c.4297C>T (p.Gln1433Ter)

Gene: MYO7A (myosin VIIA; plus strand). Cytogenetic location: 11q13.5.
Variant type: single nucleotide variant.
Coding change: c.4297C>T on transcript NM_000260.4 (MANE Select); coding-DNA position 4297, C replaced by T.
Protein change: p.Gln1433Ter; replaces glutamine 1433 with a stop codon.
Molecular consequence: nonsense.
Genome position (GRCh38, 1-based): chr11:77,194,498, C>T. VCF-style: chr11-77194498-C-T. GRCh37 (hg19) VCF-style: chr11-76905543-C-T.
Other names: NM_000260.3:c.4297C>T; c.4297C>T, p.Gln1433Ter (NM_001127180.2); c.4264C>T, p.Gln1422Ter (NM_001369365.1); short protein forms Q1422*, Q1433*.
Identifiers: ClinVar variation 1334123 (VCV001334123.2), dbSNP rs2135620605, ClinGen allele CA381949374.

ClinVar aggregate classification (germline): Pathogenic (1 of 4 stars; one submission).

Conditions:
Autosomal recessive nonsyndromic hearing loss 2. Also called: DEAFNESS, AUTOSOMAL RECESSIVE 2; NEUROSENSORY NONSYNDROMIC RECESSIVE DEAFNESS 2. Identifiers: Orphanet 90636, MedGen C1838701, MONDO:0010807, OMIM 600060.

Submission:

King Laboratory, University of Washington
Classification: Pathogenic for Autosomal recessive nonsyndromic hearing loss 2. Last evaluated: 2020-08-01. Review status: criteria provided, single submitter. Criteria: Abu Rayyan A et al. (Proc Natl Acad Sci U S A 2020). Collection method: research. Allele origin: germline. Affected: yes.
Comment: The variant is absent from 1300 Palestinian controls and absent from gnomAD v2.1.1.